The following is an entry in ClinVar:

NM_018368.4(LMBRD1):c.1147G>T (p.Ala383Ser)

Gene: LMBRD1 (LMBR1 domain containing 1; minus strand). Cytogenetic location: 6q13.
Variant type: single nucleotide variant.
Coding change: c.1147G>T on transcript NM_018368.4 (MANE Select); coding-DNA position 1147, G replaced by T.
Protein change: p.Ala383Ser; replaces alanine 383 with serine.
Molecular consequence: missense variant.
Genome position (GRCh38, 1-based): chr6:69,700,806, C>A on the plus strand (G>T on the coding strand, the complement: LMBRD1 is on the minus strand). VCF-style: chr6-69700806-C-A. GRCh37 (hg19) VCF-style: chr6-70410698-C-A.
Other names: c.928G>T, p.Ala310Ser (NM_001363722.2, NM_001367271.1, NM_001367272.1); short protein forms A310S, A383S.
Identifiers: ClinVar variation 3898133 (VCV003898133.7).
Genomic context (GRCh38, chr6:69,700,806, plus strand): 5'-TACTGTAATATATACTTACTCTAATCCAAAAGAACCATATGCCAATATTTCGAATTCCTG[C>A]CATTGAAGTAAAAATAAAGTACATAATAATAATTGTTATAAGAATATAATCAAGAGGGAA-3'
Protein context (NP_060838.3, residues 373-393): IIMYFIFTSM[Ala383Ser]GIRNIGIWFF

ClinVar aggregate classification (germline): Uncertain significance (1 of 4 stars; one submission).

gnomAD v4.1: 3 of 1,512,400 alleles (0.0002%); highest among the groups gnomAD compares: Non-Finnish European, 0.00027%; no homozygotes.

Submission:

CeGaT Center for Human Genetics Tuebingen
Classification: Uncertain significance. Last evaluated: 2025-04-01. Review status: criteria provided, single submitter. Criteria: CeGaT Center For Human Genetics Tuebingen Variant Classification Criteria Version 2. Collection method: clinical testing. Allele origin: germline. Affected: yes. Observed: 1 variant allele.
Comment: LMBRD1: PM2